The following is an entry in ClinVar:

ClinVar aggregate classification (germline): Uncertain significance (1 of 4 stars; one submission).

Submission:

Women's Health and Genetics/Laboratory Corporation of America, LabCorp
Classification: Uncertain significance. Last evaluated: 2024-02-20. Review status: criteria provided, single submitter. Criteria: LabCorp Variant Classification Summary - May 2015. Collection method: clinical testing. Allele origin: germline.
Comment: Variant summary: MSX2 c.445T>G (p.Phe149Val) results in a non-conservative amino acid change located in the Homeobox domain (IPR001356) of the encoded protein sequence. Five of five in-silico tools predict a damaging effect of the variant on protein function. The variant was absent in 251432 control chromosomes (gnomAD). The available data on variant occurrences in the general population are insufficient to allow any conclusion about variant significance. To our knowledge, no occurrence of c.445T>G in individuals affected with MSX2-Related Disorders and no experimental evidence demonstrating its impact on protein function have been reported. No submitters have cited clinical-significance assessments for this variant to ClinVar. Based on the evidence outlined above, the variant was classified as uncertain significance.

NM_002449.5(MSX2):c.445T>G (p.Phe149Val)

Gene: MSX2 (msh homeobox 2; plus strand). Cytogenetic location: 5q35.2.
Variant type: single nucleotide variant.
Coding change: c.445T>G on transcript NM_002449.5 (MANE Select); coding-DNA position 445, T replaced by G.
Protein change: p.Phe149Val; replaces phenylalanine 149 with valine.
Molecular consequence: missense variant. On other transcripts: 3 prime UTR variant (1).
Genome position (GRCh38, 1-based): chr5:174,729,224, T>G. VCF-style: chr5-174729224-T-G. GRCh37 (hg19) VCF-style: chr5-174156227-T-G.
Other names: c.*69T>G (NM_001363626.2); short protein forms F149V.
Identifiers: ClinVar variation 3068988 (VCV003068988.2), dbSNP rs2480603045, ClinGen allele CA362229892.
Genomic context (GRCh38, chr5:174,729,224, plus strand): 5'-ATGAGCCCTACCACCTGCACCCTGAGGAAACACAAGACCAATCGGAAGCCGCGCACGCCC[T>G]TTACCACATCCCAGCTCCTCGCCCTGGAGCGCAAGTTCCGTCAGAAACAGTACCTCTCCA-3'
Protein context (NP_002440.2, residues 139-159): HKTNRKPRTP[Phe149Val]TTSQLLALER